The following is an entry in ClinVar:

ClinVar aggregate classification (germline): Uncertain significance. Review status: criteria provided, multiple submitters, no conflicts (2 of 4 stars). 2 submissions from 2 submitters: Uncertain significance (2). Last evaluated 2025-08-21.

Conditions:
Inborn genetic diseases. Identifiers: MedGen C0950123, MeSH D030342.

Allele frequency attached by ClinVar (database versions not stated): 1000 Genomes Project 0.00040; 1000 Genomes Project 30x 0.00047.
gnomAD v4.1: 33 of 1,614,162 alleles (0.002%); highest among the groups gnomAD compares: Admixed American, 0.017%; no homozygotes.

Submissions (2):

Ambry Genetics
Classification: Uncertain significance for Inborn genetic diseases. Last evaluated: 2025-08-21. Review status: criteria provided, single submitter. Criteria: Ambry Variant Classification Scheme 2023. Collection method: clinical testing. Allele origin: germline.

Labcorp Genetics (formerly Invitae), Labcorp
Classification: Uncertain significance. Last evaluated: 2025-02-24. Review status: criteria provided, single submitter. Criteria: Invitae Variant Classification Sherloc (09022015). Collection method: clinical testing. Allele origin: germline.
Comment: This sequence change replaces valine, which is neutral and non-polar, with methionine, which is neutral and non-polar, at codon 143 of the PYCR2 protein (p.Val143Met). This variant is present in population databases (rs538606802, gnomAD 0.003%). This variant has not been reported in the literature in individuals affected with PYCR2-related conditions. ClinVar contains an entry for this variant (Variation ID: 1988885). Invitae Evidence Modeling of protein sequence and biophysical properties (such as structural, functional, and spatial information, amino acid conservation, physicochemical variation, residue mobility, and thermodynamic stability) indicates that this missense variant is not expected to disrupt PYCR2 protein function with a negative predictive value of 80%. In summary, the available evidence is currently insufficient to determine the role of this variant in disease. Therefore, it has been classified as a Variant of Uncertain Significance.

NM_013328.4(PYCR2):c.427G>A (p.Val143Met)

Gene: PYCR2 (pyrroline-5-carboxylate reductase 2; minus strand). Cytogenetic location: 1q42.12.
Variant type: single nucleotide variant.
Coding change: c.427G>A on transcript NM_013328.4 (MANE Select); coding-DNA position 427, G replaced by A.
Protein change: p.Val143Met; replaces valine 143 with methionine.
Molecular consequence: missense variant. On other transcripts: intron variant (1).
Genome position (GRCh38, 1-based): chr1:225,921,971, C>T on the plus strand (G>A on the coding strand, the complement: PYCR2 is on the minus strand). VCF-style: chr1-225921971-C-T. GRCh37 (hg19) VCF-style: chr1-226109671-C-T.
Other names: c.318+233G>A (NM_001271681.2); c.427G>A (NM_013328.2); short protein forms V143M.
Identifiers: ClinVar variation 1988885 (VCV001988885.5), dbSNP rs538606802, ClinGen allele CA1420224.